The following is an entry in ClinVar:

NM_004444.5(EPHB4):c.2842C>T (p.Leu948Phe)

Gene: EPHB4 (EPH receptor B4; minus strand). Cytogenetic location: 7q22.1.
Variant type: single nucleotide variant.
Coding change: c.2842C>T on transcript NM_004444.5 (MANE Select); coding-DNA position 2842, C replaced by T.
Protein change: p.Leu948Phe; replaces leucine 948 with phenylalanine.
Molecular consequence: missense variant.
Genome position (GRCh38, 1-based): chr7:100,803,583, G>A on the plus strand (C>T on the coding strand, the complement: EPHB4 is on the minus strand). VCF-style: chr7-100803583-G-A. GRCh37 (hg19) VCF-style: chr7-100401205-G-A.
Other names: short protein forms L948F.
Identifiers: ClinVar variation 4870538 (VCV004870538.1).

ClinVar aggregate classification (germline): Uncertain significance (1 of 4 stars; one submission).

Conditions:
Cardiovascular phenotype. Identifiers: MedGen CN230736.

gnomAD v4.1: 6 of 1,602,170 alleles (0.00037%); highest among the groups gnomAD compares: Non-Finnish European, 0.00051%; no homozygotes.

Submission:

Ambry Genetics
Classification: Uncertain significance for Cardiovascular phenotype. Last evaluated: 2026-03-23. Review status: criteria provided, single submitter. Criteria: Ambry Variant Classification Scheme 2023. Collection method: clinical testing. Allele origin: germline.
Comment: The p.L948F variant (also known as c.2842C>T), located in coding exon 17 of the EPHB4 gene, results from a C to T substitution at nucleotide position 2842. The leucine at codon 948 is replaced by phenylalanine, an amino acid with highly similar properties. This amino acid position is conserved. In addition, this alteration is predicted to be tolerated by in silico analysis. Based on the available evidence, the clinical significance of this variant remains unclear.